The following is an entry in ClinVar:

ClinVar aggregate classification (germline): Likely benign (1 of 4 stars; one submission).

Conditions:
CDX2-related condition.

gnomAD v4.1: 6 of 1,608,452 alleles (0.00037%); highest among the groups gnomAD compares: African/African-American, 0.0053%; no homozygotes.

Submission:

PreventionGenetics, part of Exact Sciences
Classification: Likely benign for CDX2-related condition. Last evaluated: 2025-08-20. Review status: criteria provided, single submitter. Criteria: ACMG Guidelines, 2015. Collection method: clinical testing. Allele origin: germline.
Comment: This variant is classified as likely benign based on ACMG/AMP sequence variant interpretation guidelines (Richards et al. 2015 PMID: 25741868, with internal and published modifications).

NM_001265.6(CDX2):c.96C>A (p.Val32=)

Gene: CDX2 (caudal type homeobox 2; minus strand). Cytogenetic location: 13q12.2.
Variant type: single nucleotide variant.
Coding change: c.96C>A on transcript NM_001265.6 (MANE Select); coding-DNA position 96, C replaced by A.
Protein change: p.Val32=; no amino-acid change (valine 32 retained).
Molecular consequence: synonymous variant.
Genome position (GRCh38, 1-based): chr13:27,968,911, G>T on the plus strand (C>A on the coding strand, the complement: CDX2 is on the minus strand). VCF-style: chr13-27968911-G-T. GRCh37 (hg19) VCF-style: chr13-28543048-G-T.
Other names: c.96C>A, p.Val32= (NM_001354700.2).
Identifiers: ClinVar variation 4986696 (VCV004986696.1).
Genomic context (GRCh38, chr13:27,968,911, plus strand): 5'-TGCCGCTGCAGCTGCGGCCGCCACGTGGTAACCGCCGTAGTCCGGGTACTGCGGGGGGCT[G>T]ACGAAGTTCTGCGGCGCCAGGTTGAGGCCGCCAGAGTGGCGCACGGAGCTAGGGTACATG-3'
Protein context (NP_001256.4, residues 22-42): GGLNLAPQNF[Val32=]SPPQYPDYGG